The following is an entry in ClinVar:

NM_198525.3(KIF7):c.719C>T (p.Pro240Leu)

Gene: KIF7 (kinesin family member 7; minus strand). Cytogenetic location: 15q26.1.
Variant type: single nucleotide variant.
Coding change: c.719C>T on transcript NM_198525.3 (MANE Select); coding-DNA position 719, C replaced by T.
Protein change: p.Pro240Leu; replaces proline 240 with leucine.
Molecular consequence: missense variant.
Genome position (GRCh38, 1-based): chr15:89,649,178, G>A on the plus strand (C>T on the coding strand, the complement: KIF7 is on the minus strand). VCF-style: chr15-89649178-G-A. GRCh37 (hg19) VCF-style: chr15-90192409-G-A.
Other names: short protein forms P240L.
Identifiers: ClinVar variation 317375 (VCV000317375.10), dbSNP rs886051539, ClinGen allele CA10647501.

ClinVar aggregate classification (germline): Uncertain significance. Review status: criteria provided, multiple submitters, no conflicts (2 of 4 stars). 2 submissions from 2 submitters: Uncertain significance (2). Last evaluated 2021-10-19.

Conditions:
Acrocallosal syndrome (ACLS). Also called: HALLUX DUPLICATION, POSTAXIAL POLYDACTYLY, AND ABSENCE OF CORPUS CALLOSUM; Schinzel syndrome 1; Absence of corpus callosum with unusual facial appearance, mental deficiency, duplication of the halluces and polydactyly. Identifiers: Orphanet 36, MedGen C0796147, MONDO:0008708, OMIM 200990.

Allele frequency attached by ClinVar (database versions not stated): gnomAD exomes below 0.00001 and 0.00001; gnomAD 0.00001; TOPMed 0.00001.

Submissions (2):

Labcorp Genetics (formerly Invitae), Labcorp
Classification: Uncertain significance for Acrocallosal syndrome. Last evaluated: 2021-10-19. Review status: criteria provided, single submitter. Criteria: Invitae Variant Classification Sherloc (09022015). Collection method: clinical testing. Allele origin: germline.
Comment: In summary, the available evidence is currently insufficient to determine the role of this variant in disease. Therefore, it has been classified as a Variant of Uncertain Significance. Algorithms developed to predict the effect of missense changes on protein structure and function (SIFT, PolyPhen-2, Align-GVGD) all suggest that this variant is likely to be tolerated. ClinVar contains an entry for this variant (Variation ID: 317375). This variant has not been reported in the literature in individuals affected with KIF7-related conditions. The frequency data for this variant in the population databases is considered unreliable, as metrics indicate insufficient coverage at this position in the ExAC database. This sequence change replaces proline with leucine at codon 240 of the KIF7 protein (p.Pro240Leu). The proline residue is weakly conserved and there is a moderate physicochemical difference between proline and leucine.

Illumina Laboratory Services, Illumina
Classification: Uncertain significance for Acrocallosal syndrome. Last evaluated: 2018-01-12. Review status: criteria provided, single submitter. Criteria: ICSL Variant Classification Criteria 13 December 2019. Collection method: clinical testing. Allele origin: germline.